The following is an entry in ClinVar:

ClinVar aggregate classification (germline): Uncertain significance (1 of 4 stars; one submission).

gnomAD v4.1: 10 of 1,613,574 alleles (0.00062%); highest among the groups gnomAD compares: Non-Finnish European, 0.00068%; no homozygotes.

Submission:

Labcorp Genetics (formerly Invitae), Labcorp
Classification: Uncertain significance. Last evaluated: 2024-05-19. Review status: criteria provided, single submitter. Criteria: Invitae Variant Classification Sherloc (09022015). Collection method: clinical testing. Allele origin: germline.
Comment: This sequence change replaces arginine, which is basic and polar, with cysteine, which is neutral and slightly polar, at codon 1099 of the FOCAD protein (p.Arg1099Cys). This variant is present in population databases (rs779060459, gnomAD 0.003%). This variant has not been reported in the literature in individuals affected with FOCAD-related conditions. Experimental studies and prediction algorithms are not available or were not evaluated, and the functional significance of this variant is currently unknown. In summary, the available evidence is currently insufficient to determine the role of this variant in disease. Therefore, it has been classified as a Variant of Uncertain Significance.

NM_001375567.1(FOCAD):c.3295C>T (p.Arg1099Cys)

Gene: FOCAD (focadhesin; plus strand). Cytogenetic location: 9p21.3.
Variant type: single nucleotide variant.
Coding change: c.3295C>T on transcript NM_001375567.1 (MANE Select); coding-DNA position 3295, C replaced by T.
Protein change: p.Arg1099Cys; replaces arginine 1099 with cysteine.
Molecular consequence: missense variant.
Genome position (GRCh38, 1-based): chr9:20,929,574, C>T. VCF-style: chr9-20929574-C-T. GRCh37 (hg19) VCF-style: chr9-20929573-C-T.
Other names: c.3190C>T, p.Arg1064Cys (NM_001375568.1, NM_001375570.1); c.3295C>T, p.Arg1099Cys (NM_017794.5); short protein forms R1099C, R1064C.
Identifiers: ClinVar variation 3649560 (VCV003649560.2).